The following is an entry in ClinVar:

ClinVar aggregate classification (germline): Uncertain significance (1 of 4 stars; one submission).

Conditions:
Hereditary spastic paraplegia 3A (SPG3A). Also called: Spastic paraplegia 3A, autosomal dominant; SPASTIC PARAPLEGIA 3, AUTOSOMAL DOMINANT; FAMILIAL SPASTIC PARAPLEGIA, AUTOSOMAL DOMINANT, 1; SPG3; STRUMPELL DISEASE; Spastic Paraplegia 3A. Identifiers: Orphanet 100984, MedGen C2931355, MONDO:0008437, OMIM 182600.

Submission:

Labcorp Genetics (formerly Invitae), Labcorp
Classification: Uncertain significance for Hereditary spastic paraplegia 3A. Last evaluated: 2025-02-06. Review status: criteria provided, single submitter. Criteria: Invitae Variant Classification Sherloc (09022015). Collection method: clinical testing. Allele origin: germline.
Comment: This sequence change replaces tyrosine, which is neutral and polar, with serine, which is neutral and polar, at codon 332 of the ATL1 protein (p.Tyr332Ser). This variant is not present in population databases (gnomAD no frequency). This variant has not been reported in the literature in individuals affected with ATL1-related conditions. Invitae Evidence Modeling of protein sequence and biophysical properties (such as structural, functional, and spatial information, amino acid conservation, physicochemical variation, residue mobility, and thermodynamic stability) indicates that this missense variant is expected to disrupt ATL1 protein function with a positive predictive value of 95%. In summary, the available evidence is currently insufficient to determine the role of this variant in disease. Therefore, it has been classified as a Variant of Uncertain Significance.

NM_015915.5(ATL1):c.995A>C (p.Tyr332Ser)

Gene: ATL1 (atlastin GTPase 1; plus strand). Cytogenetic location: 14q22.1.
Variant type: single nucleotide variant.
Coding change: c.995A>C on transcript NM_015915.5 (MANE Select); coding-DNA position 995, A replaced by C.
Protein change: p.Tyr332Ser; replaces tyrosine 332 with serine.
Molecular consequence: missense variant.
Genome position (GRCh38, 1-based): chr14:50,621,847, A>C. VCF-style: chr14-50621847-A-C. GRCh37 (hg19) VCF-style: chr14-51088565-A-C.
Other names: c.995A>C, p.Tyr332Ser (NM_001127713.1, NM_181598.4); short protein forms Y332S.
Identifiers: ClinVar variation 3686311 (VCV003686311.2).
Genomic context (GRCh38, chr14:50,621,847, plus strand): 5'-TTAGAGGAAATATTGAATGGAATTGCTTGAACATGAATCTTTTTCTTTTTTTTTAGGCTT[A>C]TATAAAGATCTATCAAGGTGAAGAATTACCACATCCCAAATCCATGTTACAGGTATTTAT-3'
Protein context (NP_056999.2, residues 322-342): CRGLVEYFKA[Tyr332Ser]IKIYQGEELP